The following is an entry in ClinVar:

ClinVar aggregate classification (germline): Uncertain significance (1 of 4 stars; one submission).

Submission:

GeneDx
Classification: Uncertain significance. Last evaluated: 2024-05-04. Review status: criteria provided, single submitter. Criteria: GeneDx Variant Classification Process June 2021. Collection method: clinical testing. Allele origin: germline. Affected: yes.
Comment: Not observed at significant frequency in large population cohorts (gnomAD); In silico analysis supports that this missense variant has a deleterious effect on protein structure/function; Has not been previously published as pathogenic or benign to our knowledge

NM_001128840.3(CACNA1D):c.5999T>G (p.Leu2000Arg)

Gene: CACNA1D (calcium voltage-gated channel subunit alpha1 D; plus strand). Cytogenetic location: 3p21.1.
Variant type: single nucleotide variant.
Coding change: c.5999T>G on transcript NM_001128840.3 (MANE Select); coding-DNA position 5999, T replaced by G.
Protein change: p.Leu2000Arg; replaces leucine 2000 with arginine.
Molecular consequence: missense variant.
Genome position (GRCh38, 1-based): chr3:53,810,105, T>G. VCF-style: chr3-53810105-T-G. GRCh37 (hg19) VCF-style: chr3-53844132-T-G.
Other names: c.6059T>G, p.Leu2020Arg (NM_000720.4); c.5927T>G, p.Leu1976Arg (NM_001128839.3); short protein forms L1976R, L2000R, L2020R.
Identifiers: ClinVar variation 3375499 (VCV003375499.1).